The following is an entry in ClinVar:

ClinVar aggregate classification (germline): Likely benign. Review status: criteria provided, single submitter (1 of 4 stars). 2 submissions from 2 submitters: Likely benign (1). 1 of the submissions does not count toward it. Last evaluated 2025-03-17.

Conditions:
KIDINS220-related disorder. Also called: KIDINS220-related condition.

Allele frequency attached by ClinVar (database versions not stated): gnomAD 0.00001; ExAC 0.00005.
gnomAD v4.1: 50 of 1,613,418 alleles (0.0031%); highest among the groups gnomAD compares: South Asian, 0.0066%; 1 homozygote.

Submissions (2):

Labcorp Genetics (formerly Invitae), Labcorp
Classification: Likely benign. Last evaluated: 2025-03-17. Review status: criteria provided, single submitter. Criteria: Invitae Variant Classification Sherloc (09022015). Collection method: clinical testing. Allele origin: germline.

PreventionGenetics, part of Exact Sciences
Classification: Likely benign for KIDINS220-related condition. Last evaluated: 2024-09-11. Review status: no assertion criteria provided. Collection method: clinical testing. Allele origin: germline. Not counted in ClinVar's aggregate classification.
Comment: This variant is classified as likely benign based on ACMG/AMP sequence variant interpretation guidelines (Richards et al. 2015 PMID: 25741868, with internal and published modifications).

NM_020738.4(KIDINS220):c.354C>T (p.Asp118=)

Gene: KIDINS220 (kinase D interacting substrate 220; minus strand). Cytogenetic location: 2p25.1.
Variant type: single nucleotide variant.
Coding change: c.354C>T on transcript NM_020738.4 (MANE Select); coding-DNA position 354, C replaced by T.
Protein change: p.Asp118=; no amino-acid change (aspartic acid 118 retained).
Molecular consequence: synonymous variant. On other transcripts: non-coding transcript variant (2).
Genome position (GRCh38, 1-based): chr2:8,813,288, G>A on the plus strand (C>T on the coding strand, the complement: KIDINS220 is on the minus strand). VCF-style: chr2-8813288-G-A. GRCh37 (hg19) VCF-style: chr2-8953418-G-A.
Other names: c.354C>T, p.Asp118= (NM_001348729.2, NM_001348731.2, NM_001348732.2 and 9 more transcripts); c.228C>T, p.Asp76= (NM_001348736.2); c.354C>T (NM_020738.2).
Identifiers: ClinVar variation 2044935 (VCV002044935.5), dbSNP rs199892881, ClinGen allele CA1520452.
Genomic context (GRCh38, chr2:8,813,288, plus strand): 5'-AATGCTTACCAGACCAGTGACACTTGGATTGGCACCATGAGAAAGAAGCAACTCTACTAC[G>A]TCAGTACGGCCTTTGTAACATGCCCACATAAGAGCTGTCCATCCTCCCTAAACAAAAAAT-3'
Protein context (NP_065789.1, residues 108-128): LMWACYKGRT[Asp118=]VVELLLSHGA